The following is an entry in ClinVar:

NM_015693.4(INTU):c.1165G>A (p.Gly389Ser)

Gene: INTU (inturned planar cell polarity protein; plus strand). Cytogenetic location: 4q28.1.
Variant type: single nucleotide variant.
Coding change: c.1165G>A on transcript NM_015693.4 (MANE Select); coding-DNA position 1165, G replaced by A.
Protein change: p.Gly389Ser; replaces glycine 389 with serine.
Molecular consequence: missense variant.
Genome position (GRCh38, 1-based): chr4:127,674,197, G>A. VCF-style: chr4-127674197-G-A. GRCh37 (hg19) VCF-style: chr4-128595352-G-A.
Other names: c.1165G>A (NM_015693.3); short protein forms G389S.
Identifiers: ClinVar variation 2070874 (VCV002070874.6), dbSNP rs536587691, ClinGen allele CA3074971.

ClinVar aggregate classification (germline): Uncertain significance. Review status: criteria provided, single submitter (1 of 4 stars). 2 submissions from 2 submitters: Uncertain significance (1). 1 of the submissions does not count toward it. Last evaluated 2023-12-11.

Conditions:
INTU-related disorder. Also called: INTU-related condition.

Allele frequency attached by ClinVar (database versions not stated): gnomAD 0.00009; ExAC 0.00013; 1000 Genomes Project 0.00060; gnomAD exomes 0.00003; TOPMed 0.00008; 1000 Genomes Project 30x 0.00047.
gnomAD v4.1: 62 of 1,610,530 alleles (0.0038%); highest among the groups gnomAD compares: East Asian, 0.12%; no homozygotes.

Submissions (2):

Labcorp Genetics (formerly Invitae), Labcorp
Classification: Uncertain significance. Last evaluated: 2023-12-11. Review status: criteria provided, single submitter. Criteria: Invitae Variant Classification Sherloc (09022015). Collection method: clinical testing. Allele origin: germline.
Comment: This sequence change replaces glycine, which is neutral and non-polar, with serine, which is neutral and polar, at codon 389 of the INTU protein (p.Gly389Ser). This variant is present in population databases (rs536587691, gnomAD 0.2%), and has an allele count higher than expected for a pathogenic variant. This variant has not been reported in the literature in individuals affected with INTU-related conditions. ClinVar contains an entry for this variant (Variation ID: 2070874). Advanced modeling of protein sequence and biophysical properties (such as structural, functional, and spatial information, amino acid conservation, physicochemical variation, residue mobility, and thermodynamic stability) performed at Invitae indicates that this missense variant is not expected to disrupt INTU protein function with a negative predictive value of 80%. In summary, the available evidence is currently insufficient to determine the role of this variant in disease. Therefore, it has been classified as a Variant of Uncertain Significance.

PreventionGenetics, part of Exact Sciences
Classification: Likely benign for INTU-related condition. Last evaluated: 2022-10-11. Review status: no assertion criteria provided. Collection method: clinical testing. Allele origin: germline. Not counted in ClinVar's aggregate classification.
Comment: This variant is classified as likely benign based on ACMG/AMP sequence variant interpretation guidelines (Richards et al. 2015 PMID: 25741868, with internal and published modifications).